The following is an entry in ClinVar:

ClinVar aggregate classification (germline): Uncertain significance (1 of 4 stars; one submission).

Conditions:
Arrhythmogenic right ventricular dysplasia 13. Also called: ARRHYTHMOGENIC RIGHT VENTRICULAR CARDIOMYOPATHY 13; Arrhythmogenic right ventricular dysplasia, familial, 13. Identifiers: MedGen C3810138, MONDO:0000908, OMIM 615616.

gnomAD v4.1: 1 of 1,613,798 alleles (0.000062%); highest among the groups gnomAD compares: Non-Finnish European, 0.000085%; no homozygotes.

Submission:

Labcorp Genetics (formerly Invitae), Labcorp
Classification: Uncertain significance for Arrhythmogenic right ventricular dysplasia 13. Last evaluated: 2016-05-30. Review status: criteria provided, single submitter. Criteria: Invitae Variant Classification Sherloc (09022015). Collection method: clinical testing. Allele origin: germline.
Comment: In summary, this variant is a novel missense change with uncertain impact on protein function. It has been classified as a Variant of Uncertain Significance. Algorithms developed to predict the effect of missense changes on protein structure and function do not agree on the potential impact of this missense change (SIFT: "Deleterious"; PolyPhen-2: "Possibly Damaging"; Align-GVGD: "Class C0"). This variant is not present in population databases (ExAC no frequency) and has not been reported in the literature in individuals with a CTNNA3-related disease. This sequence change replaces arginine with proline at codon 325 of the CTNNA3 protein (p.Arg325Pro). The arginine residue is moderately conserved and there is a moderate physicochemical difference between arginine and proline.

NM_013266.4(CTNNA3):c.974G>C (p.Arg325Pro)

Gene: CTNNA3 (catenin alpha 3; minus strand). Cytogenetic location: 10q21.3.
Variant type: single nucleotide variant.
Coding change: c.974G>C on transcript NM_013266.4 (MANE Select); coding-DNA position 974, G replaced by C.
Protein change: p.Arg325Pro; replaces arginine 325 with proline.
Molecular consequence: missense variant.
Genome position (GRCh38, 1-based): chr10:67,180,390, C>G on the plus strand (G>C on the coding strand, the complement: CTNNA3 is on the minus strand). VCF-style: chr10-67180390-C-G. GRCh37 (hg19) VCF-style: chr10-68940148-C-G.
Other names: c.974G>C, p.Arg325Pro (NM_001127384.3); c.1010G>C, p.Arg337Pro (NM_001291133.2); short protein forms R325P, R337P.
Identifiers: ClinVar variation 409023 (VCV000409023.8), dbSNP rs773609785, ClinGen allele CA16613049.